The following is an entry in ClinVar:

ClinVar aggregate classification (germline): Benign (1 of 4 stars; one submission).

Conditions:
Neonatal diabetes mellitus with congenital hypothyroidism. Also called: NDH SYNDROME. Identifiers: Orphanet 79118, MedGen C1857775, MONDO:0012436, OMIM 610199.

Allele frequency attached by ClinVar (database versions not stated): 1000 Genomes Project 0.01977; 1000 Genomes Project 30x 0.02046; gnomAD 0.02215; TOPMed 0.02384.

Submission:

Illumina Laboratory Services, Illumina
Classification: Benign for Neonatal diabetes mellitus with congenital hypothyroidism. Last evaluated: 2018-01-13. Review status: criteria provided, single submitter. Criteria: ICSL Variant Classification Criteria 13 December 2019. Collection method: clinical testing. Allele origin: germline.
Comment: This variant was observed in the ICSL laboratory as part of a predisposition screen in an ostensibly healthy population. It had not been previously curated by ICSL or reported in the Human Gene Mutation Database (HGMD: prior to June 1st, 2018), and was therefore a candidate for classification through an automated scoring system. Utilizing variant allele frequency, disease prevalence and penetrance estimates, and inheritance mode, an automated score was calculated to assess if this variant is too frequent to cause the disease. Based on the score and internal cut-off values, a variant classified as benign is not then subjected to further curation. The score for this variant resulted in a classification of benign for this disease.

NM_001042413.2(GLIS3):c.*3218A>C

Gene: GLIS3 (GLIS family zinc finger 3; minus strand). Cytogenetic location: 9p24.2.
Variant type: single nucleotide variant.
Coding change: c.*3218A>C on transcript NM_001042413.2 (MANE Select); 3218 bases downstream of the stop codon, A replaced by C.
Molecular consequence: 3 prime UTR variant.
Genome position (GRCh38, 1-based): chr9:3,825,054, T>G on the plus strand (A>C on the coding strand, the complement: GLIS3 is on the minus strand). VCF-style: chr9-3825054-T-G. GRCh37 (hg19) VCF-style: chr9-3825054-T-G.
Other names: c.*3218A>C (NM_152629.4).
Identifiers: ClinVar variation 366899 (VCV000366899.5), dbSNP rs73640770, ClinGen allele CA10634073.